The following is an entry in ClinVar:

NM_022773.4(LMF1):c.998C>T (p.Pro333Leu)

Gene: LMF1 (lipase maturation factor 1; minus strand). Cytogenetic location: 16p13.3.
Variant type: single nucleotide variant.
Coding change: c.998C>T on transcript NM_022773.4 (MANE Select); coding-DNA position 998, C replaced by T.
Protein change: p.Pro333Leu; replaces proline 333 with leucine.
Molecular consequence: missense variant. On other transcripts: non-coding transcript variant (1).
Genome position (GRCh38, 1-based): chr16:871,241, G>A on the plus strand (C>T on the coding strand, the complement: LMF1 is on the minus strand). VCF-style: chr16-871241-G-A. GRCh37 (hg19) VCF-style: chr16-921241-G-A.
Other names: c.347C>T, p.Pro116Leu (NM_001352017.2, NM_001352021.2); c.599C>T, p.Pro200Leu (NM_001352018.2); c.671C>T, p.Pro224Leu (NM_001352019.2); c.998C>T, p.Pro333Leu (NM_001352020.1); short protein forms P116L, P200L, P224L, P333L.
Identifiers: ClinVar variation 4859224 (VCV004859224.1).
Genomic context (GRCh38, chr16:871,241, plus strand): 5'-GCCCCTCGGATGTCCCTCTGCATCTGCAGAACTCGGTCCTTCAGGCTGCCTGGCCCAGAG[G>A]GGAACAAGAATCCCAGGGTGGCGTCATCAAAGCAGGCCAGGCTGGGCACCATAGTCAGCC-3'
Protein context (NP_073610.2, residues 323-343): FDDATLGFLF[Pro333Leu]SGPGSLKDRV

ClinVar aggregate classification (germline): Uncertain significance (1 of 4 stars; one submission).

Conditions:
Cardiovascular phenotype. Identifiers: MedGen CN230736.

gnomAD v4.1: 5 of 1,612,228 alleles (0.00031%); highest among the groups gnomAD compares: South Asian, 0.0022%; no homozygotes.

Submission:

Ambry Genetics
Classification: Uncertain significance for Cardiovascular phenotype. Last evaluated: 2026-03-29. Review status: criteria provided, single submitter. Criteria: Ambry Variant Classification Scheme 2023. Collection method: clinical testing. Allele origin: germline.
Comment: The p.P333L variant (also known as c.998C>T), located in coding exon 7 of the LMF1 gene, results from a C to T substitution at nucleotide position 998. The proline at codon 333 is replaced by leucine, an amino acid with similar properties. This amino acid position is conserved. In addition, this alteration is predicted to be tolerated by in silico analysis. Based on the available evidence, the clinical significance of this variant remains unclear.